The following is an entry in ClinVar:

NC_000005.10:g.112846668T>G

Variant type: single nucleotide variant.
Genome position: GRCh38 VCF-style: chr5-112846668-T-G. GRCh37 (hg19) VCF-style: chr5-112182365-T-G.
Identifiers: ClinVar variation 83269 (VCV000083269.2), dbSNP rs77333076, ClinGen allele CA250961.

ClinVar aggregate classification (germline): other (0 of 4 stars; one submission).

Conditions:
Familial colorectal cancer. Identifiers: MedGen CN280943, MONDO:0023113. Disease mechanism: loss of function.

Submission:

Systems Biology Platform Zhejiang California International NanoSystems Institute
Classification: other for Familial colorectal cancer. Review status: no assertion criteria provided. Collection method: not provided. Allele origin: unknown.
ClinVar note: Converted during submission from cancer to other.